The following is an entry in ClinVar:

ClinVar aggregate classification (germline): Conflicting classifications of pathogenicity. Review status: criteria provided, conflicting classifications (1 of 4 stars). 7 submissions from 7 submitters: Uncertain significance (4); Likely benign (3). Last evaluated 2026-09-09.

Conditions:
DTNA-related disorder. Also called: DTNA-related condition.
Left ventricular noncompaction 1 (LVNC1). Also called: LEFT VENTRICULAR NONCOMPACTION 1 WITH OR WITHOUT CONGENITAL HEART DEFECTS. Identifiers: Orphanet 54260, MedGen C1858725, MONDO:0011403, OMIM 604169.

Allele frequency attached by ClinVar (database versions not stated): gnomAD exomes 0.00004 and 0.00008; ExAC 0.00005; 1000 Genomes Project 0.00020; gnomAD 0.00024 and 0.00027; 1000 Genomes Project 30x 0.00031; TOPMed 0.00070.
gnomAD v4.1: 117 of 1,613,622 alleles (0.0073%); highest among the groups gnomAD compares: Admixed American, 0.087%; 2 homozygotes.

Submissions (7):

GeneDx
Classification: Uncertain significance. Last evaluated: 2026-09-09. Review status: criteria provided, single submitter. Criteria: GeneDx Variant Classification Process June 2021. Collection method: clinical testing. Allele origin: germline.
Comment: Has not been previously published as pathogenic or benign to our knowledge; In silico analysis suggests that this missense variant does not alter protein structure/function; Variants in candidate genes are classified as variants of uncertain significance in accordance with ACMG guidelines (PMID: 25741868); In silico analysis is inconclusive as to whether the variant alters gene splicing. In the absence of RNA/functional studies, the actual effect of this sequence change is unknown.; This variant is associated with the following publications: (PMID: 24014171)

CeGaT Center for Human Genetics Tuebingen
Classification: Likely benign. Last evaluated: 2026-06-01. Review status: criteria provided, single submitter. Criteria: CeGaT Center For Human Genetics Tuebingen Variant Classification Criteria Version 2. Collection method: clinical testing. Allele origin: germline. Affected: yes. Observed: 1 variant allele.
Comment: DTNA: BP4, BS2

Women's Health and Genetics/Laboratory Corporation of America, LabCorp
Classification: Likely benign. Last evaluated: 2025-12-08. Review status: criteria provided, single submitter. Criteria: LabCorp Variant Classification Summary - May 2015. Collection method: clinical testing. Allele origin: germline.
Comment: Variant summary: DTNA c.1249C>T (p.Arg417Trp) results in a non-conservative amino acid change in the encoded protein sequence. Algorithms developed to predict the effect of missense changes on protein structure and function are either unavailable or do not agree on the potential impact of this missense change. The variant allele was found at a frequency of 7.6e-05 in 251216 control chromosomes. The observed variant frequency exceeds the estimated maximal expected allele frequency for disease-causing variants in DTNA. To our knowledge, no occurrence of c.1249C>T in individuals affected with DTNA-related conditions and no experimental evidence demonstrating its impact on protein function have been reported. ClinVar contains an entry for this variant (Variation ID: 180346). Based on the evidence outlined above, the variant was classified as likely benign.

Labcorp Genetics (formerly Invitae), Labcorp
Classification: Uncertain significance for Left ventricular noncompaction 1. Last evaluated: 2025-11-17. Review status: criteria provided, single submitter. Criteria: Invitae Variant Classification Sherloc (09022015). Collection method: clinical testing. Allele origin: germline.
Comment: This sequence change replaces arginine, which is basic and polar, with tryptophan, which is neutral and slightly polar, at codon 417 of the DTNA protein (p.Arg417Trp). This variant is present in population databases (rs199867593, gnomAD 0.01%). This variant has not been reported in the literature in individuals affected with DTNA-related conditions. ClinVar contains an entry for this variant (Variation ID: 180346). An algorithm developed to predict the effect of missense changes on protein structure and function (PolyPhen-2) suggests that this variant is likely to be tolerated. In summary, the available evidence is currently insufficient to determine the role of this variant in disease. Therefore, it has been classified as a Variant of Uncertain Significance.

PreventionGenetics, part of Exact Sciences
Classification: Uncertain significance for DTNA-related condition. Last evaluated: 2025-05-05. Review status: criteria provided, single submitter. Criteria: ACMG Guidelines, 2015. Collection method: clinical testing. Allele origin: germline.
Comment: The DTNA c.1249C>T variant is predicted to result in the amino acid substitution p.Arg417Trp. To our knowledge, this variant has not been reported in the literature. This variant is reported in 0.0079% of alleles in individuals of European (Non-Finnish) descent in gnomAD. At this time, the clinical significance of this variant is uncertain due to the absence of conclusive functional and genetic evidence.

Blueprint Genetics
Classification: Likely benign. Last evaluated: 2024-09-19. Review status: criteria provided, single submitter. Criteria: ACMG Guidelines, 2015. Collection method: clinical testing. Allele origin: germline.

Laboratory for Molecular Medicine, Mass General Brigham Personalized Medicine
Classification: Uncertain significance. Last evaluated: 2015-11-09. Review status: criteria provided, single submitter. Criteria: LMM Criteria. Collection method: clinical testing. Allele origin: germline. Observed: 1 variant allele.
Comment: The p.Arg414Trp variant in DTNA has not been previously reported in individuals with cardiomyopathy, but has been identified in 5/66648 European chromosomes by the Exome Aggregation Consortium (ExAC; dbSNP rs 199867593). Computational prediction tools and conservation analysis do not prov ide strong support for or against an impact to the protein. In summary, the clin ical significance of the p.Arg414Trp variant is uncertain.

NM_001386795.1(DTNA):c.1330C>T (p.Arg444Trp)

Gene: DTNA (dystrobrevin alpha; plus strand). Cytogenetic location: 18q12.1.
Variant type: single nucleotide variant.
Coding change: c.1330C>T on transcript NM_001386795.1 (MANE Select); coding-DNA position 1330, C replaced by T.
Protein change: p.Arg444Trp; replaces arginine 444 with tryptophan.
Molecular consequence: missense variant. On other transcripts: intron variant (33).
Genome position (GRCh38, 1-based): chr18:34,838,821, C>T. VCF-style: chr18-34838821-C-T. GRCh37 (hg19) VCF-style: chr18-32418785-C-T.
Other names: c.376C>T, p.Arg126Trp (NM_001198942.1); c.1330C>T, p.Arg444Trp (NM_001386788.1); c.1249C>T, p.Arg417Trp (NM_001390.5, NM_001391.5); c.1240C>T, p.Arg414Trp (NM_032978.7); c.1095-9475C>T (NM_032975.4, NM_001386761.1, NM_001386762.1 and 1 more transcripts); c.1175+9332C>T (NM_001386754.1, NM_001386755.1, NM_001386760.1 and 5 more transcripts); c.1086-9475C>T (NM_001386763.1, NM_001386764.1, NM_001386768.1 and 13 more transcripts); c.604-13010C>T (NM_001198945.2); and 4 more; short protein forms R414W, R417W, R126W, R444W.
Identifiers: ClinVar variation 180346 (VCV000180346.22), dbSNP rs199867593, ClinGen allele CA346325.
Genomic context (GRCh38, chr18:34,838,821, plus strand): 5'-AATGTGGCAGACAGGCTAGCTGATGAACATGTTCTCATCGGGTTGTATGTCAACATGCTC[C>T]GGAACAACCCCTCATGGTTAGTGCAGGTTTGGCTGCTTGACTGTCCTTAGAGAGGGATAC-3'
Protein context (NP_001373724.1, residues 434-454): VLIGLYVNML[Arg444Trp]NNPSCMLESS